The following is an entry in ClinVar:

ClinVar aggregate classification (germline): Pathogenic. Review status: criteria provided, multiple submitters, no conflicts (2 of 4 stars). 2 submissions from 2 submitters: Pathogenic (2). Last evaluated 2022-09-20.

Conditions:
Hereditary cancer-predisposing syndrome. Also called: Neoplastic Syndromes, Hereditary; Tumor predisposition; Hereditary Cancer Syndrome; Hereditary neoplastic syndrome. Identifiers: Orphanet 140162, MedGen C0027672, MeSH D009386, MONDO:0015356.
Familial cancer of breast. Also called: BREAST CANCER, FAMILIAL; Hereditary breast cancer; hereditary breast carcinoma. Identifiers: Orphanet 227535, MedGen C0346153, MONDO:0016419, OMIM 114480. Disease mechanism: loss of function.

Submissions (2):

Labcorp Genetics (formerly Invitae), Labcorp
Classification: Pathogenic for Familial cancer of breast. Last evaluated: 2022-09-20. Review status: criteria provided, single submitter. Criteria: Invitae Variant Classification Sherloc (09022015). Collection method: clinical testing. Allele origin: germline.
Comment: This variant is not present in population databases (gnomAD no frequency). This sequence change creates a premature translational stop signal (p.Gly376Glufs*6) in the CHEK2 gene. It is expected to result in an absent or disrupted protein product. Loss-of-function variants in CHEK2 are known to be pathogenic (PMID: 21876083, 24713400). This variant has not been reported in the literature in individuals affected with CHEK2-related conditions. For these reasons, this variant has been classified as Pathogenic.

Ambry Genetics
Classification: Pathogenic for Hereditary cancer-predisposing syndrome. Last evaluated: 2022-09-07. Review status: criteria provided, single submitter. Criteria: Ambry Variant Classification Scheme 2023. Collection method: clinical testing. Allele origin: germline.
Comment: The c.1127delG pathogenic mutation, located in coding exon 10 of the CHEK2 gene, results from a deletion of one nucleotide at nucleotide position 1127, causing a translational frameshift with a predicted alternate stop codon (p.G376Efs*6). This alteration is expected to result in loss of function by premature protein truncation or nonsense-mediated mRNA decay. As such, this alteration is interpreted as a disease-causing mutation.

Literature cited by the submitters: PubMed 21876083 (cited by Labcorp Genetics (formerly Invitae), Labcorp); PubMed 24713400 (cited by Labcorp Genetics (formerly Invitae), Labcorp).

NM_007194.4(CHEK2):c.1127del (p.Gly376fs)

Gene: CHEK2 (checkpoint kinase 2; minus strand). Cytogenetic location: 22q12.1.
Variant type: Deletion.
Coding change: c.1127del on transcript NM_007194.4 (MANE Select); coding-DNA position 1127, one base deleted (G; older notation c.1127delG).
Protein change: p.Gly376fs; shifts the reading frame from glycine 376.
Molecular consequence: frameshift variant.
Genome position (GRCh38, 1-based): chr22:28,695,842, C deleted on the plus strand (G on the coding strand, the reverse complement: CHEK2 is on the minus strand); the first of 3 consecutive C bases (chr22:28,695,842-28,695,844); deleting any one gives the same sequence. VCF-style (leftmost placement, unchanged base first): chr22-28695841-TC-T. GRCh37 (hg19) VCF-style: chr22-29091829-TC-T.
Other names: c.462delG, p.Gly155Glufs (NM_001257387.3); c.924delG, p.Gly309Glufs (NM_001349956.3); c.1038delG, p.Gly347Glufs (NM_145862.3); c.1254delG, p.Gly419Glufs (NM_001005735.3); short protein forms G347fs, G155fs, G309fs, G376fs, G419fs.
Identifiers: ClinVar variation 1799381 (VCV001799381.7), dbSNP rs2517809373, ClinGen allele CA2580099525.
Genomic context (GRCh38, chr22:28,695,841, plus strand): 5'-AAGAACTTCAGGCGCCAAGTAGGTGGGGGTTCCACATAAGGTTCTCATGAGAGAGGTCTC[TC>T]CCAAAATCTTGGAGTGCCCAAAATCAGTAATCTAAAATTCAGTACAAAAGGGAATAATGT-3'